The following is an entry in ClinVar:

ClinVar aggregate classification (germline): Uncertain significance. Review status: criteria provided, multiple submitters, no conflicts (2 of 4 stars). 3 submissions from 3 submitters: Uncertain significance (3). Last evaluated 2024-03-28.

Conditions:
Combined oxidative phosphorylation deficiency 35 (COXPD35). Identifiers: MedGen C4693466, MONDO:0054742, OMIM 617873.
Inborn genetic diseases. Identifiers: MedGen C0950123, MeSH D030342.

Allele frequency attached by ClinVar (database versions not stated): gnomAD 0.00047 and 0.00046; TOPMed 0.00060; 1000 Genomes Project 30x 0.00031; 1000 Genomes Project 0.00040; ExAC 0.00046; ESP Exome Variant Server 0.00062.

Submissions (3):

Ambry Genetics
Classification: Uncertain significance for Inborn genetic diseases. Last evaluated: 2024-03-28. Review status: criteria provided, single submitter. Criteria: Ambry Variant Classification Scheme 2023. Collection method: clinical testing. Allele origin: germline.

Baylor Genetics
Classification: Uncertain significance for Combined oxidative phosphorylation deficiency 35. Last evaluated: 2022-10-22. Review status: criteria provided, single submitter. Criteria: ACMG Guidelines, 2015. Collection method: clinical testing. Allele origin: unknown.

Labcorp Genetics (formerly Invitae), Labcorp
Classification: Uncertain significance. Last evaluated: 2022-09-26. Review status: criteria provided, single submitter. Criteria: Invitae Variant Classification Sherloc (09022015). Collection method: clinical testing. Allele origin: germline.
Comment: This sequence change replaces alanine, which is neutral and non-polar, with threonine, which is neutral and polar, at codon 6 of the TRIT1 protein (p.Ala6Thr). This variant is present in population databases (rs138415849, gnomAD 0.07%), and has an allele count higher than expected for a pathogenic variant. This variant has not been reported in the literature in individuals affected with TRIT1-related conditions. ClinVar contains an entry for this variant (Variation ID: 1365813). Algorithms developed to predict the effect of missense changes on protein structure and function (SIFT, PolyPhen-2, Align-GVGD) all suggest that this variant is likely to be tolerated. In summary, the available evidence is currently insufficient to determine the role of this variant in disease. Therefore, it has been classified as a Variant of Uncertain Significance.

NM_017646.6(TRIT1):c.16G>A (p.Ala6Thr)

Genes: TRIT1 (tRNA isopentenyltransferase 1; minus strand), MYCL-AS1 (MYCL antisense RNA 1; plus strand). Cytogenetic location: 1p34.2.
Variant type: single nucleotide variant.
Coding change: c.16G>A on transcript NM_017646.6 (MANE Select); coding-DNA position 16, G replaced by A.
Protein change: p.Ala6Thr; replaces alanine 6 with threonine.
Molecular consequence: missense variant.
Genome position (GRCh38, 1-based): chr1:39,883,476, C>T on the plus strand (G>A on the coding strand, the complement: TRIT1 is on the minus strand). VCF-style: chr1-39883476-C-T. GRCh37 (hg19) VCF-style: chr1-40349148-C-T.
Other names: c.16G>A, p.Ala6Thr (NM_001312691.2, NM_001312692.2); short protein forms A6T.
Identifiers: ClinVar variation 1365813 (VCV001365813.5), dbSNP rs138415849, ClinGen allele CA788230.